The following is an entry in ClinVar:

ClinVar aggregate classification (germline): Likely pathogenic (1 of 4 stars; one submission).

Submission:

CeGaT Center for Human Genetics Tuebingen
Classification: Likely pathogenic. Last evaluated: 2025-09-01. Review status: criteria provided, single submitter. Criteria: CeGaT Center For Human Genetics Tuebingen Variant Classification Criteria Version 2. Collection method: clinical testing. Allele origin: germline. Affected: yes. Observed: 1 variant allele.
Comment: STRC: PM2, PM3, PVS1:Moderate

NM_153700.2(STRC):c.3306+1G>A

Gene: STRC (stereocilin; minus strand). Cytogenetic location: 15q15.3.
Variant type: single nucleotide variant.
Coding change: c.3306+1G>A on transcript NM_153700.2 (MANE Select); the canonical splice donor site of the intron after coding-DNA position 3306, G replaced by A.
Molecular consequence: splice donor variant.
Genome position (GRCh38, 1-based): chr15:43,611,147, C>T on the plus strand (G>A on the coding strand, the complement: STRC is on the minus strand). VCF-style: chr15-43611147-C-T. GRCh37 (hg19) VCF-style: chr15-43903345-C-T.
Identifiers: ClinVar variation 4281525 (VCV004281525.7).
Genomic context (GRCh38, chr15:43,611,147, plus strand): 5'-TCCTCCCAACCAGAAAGAGCCGGTATCCCTGATTATCTCATCCTCCTTGCCACTCTCATA[C>T]CCGAAAGGTCTGCAGCAGTGCTGCGGTCTGGCAGGCTGAGAGGCGTGACAGTTCAGGGGC-3'